The following is an entry in ClinVar:

NM_007294.4(BRCA1):c.4831G>A (p.Ala1611Thr)

Gene: BRCA1 (BRCA1 DNA repair associated; minus strand). Cytogenetic location: 17q21.31.
Variant type: single nucleotide variant.
Coding change: c.4831G>A on transcript NM_007294.4 (MANE Select); coding-DNA position 4831, G replaced by A.
Protein change: p.Ala1611Thr; replaces alanine 1611 with threonine.
Molecular consequence: missense variant. On other transcripts: intron variant (1).
Genome position (GRCh38, 1-based): chr17:43,071,083, C>T on the plus strand (G>A on the coding strand, the complement: BRCA1 is on the minus strand). VCF-style: chr17-43071083-C-T. GRCh37 (hg19) VCF-style: chr17-41223100-C-T.
Other names: c.1441G>A, p.Ala481Thr (NM_001408412.1, NM_001408413.1, NM_001408414.1 and 2 more transcripts); c.1405G>A, p.Ala469Thr (NM_001408418.1, NM_001408419.1, NM_001408420.1); c.1402G>A, p.Ala468Thr (NM_001408421.1, NM_001408422.1, NM_001408423.1 and 1 more transcripts); c.4618G>A, p.Ala1540Thr (NM_001407906.1, NM_001407907.1, NM_001407908.1 and 12 more transcripts); c.4615G>A, p.Ala1539Thr (NM_001407915.1, NM_001407916.1, NM_001407917.1 and 1 more transcripts); c.4708G>A, p.Ala1570Thr (NM_001407919.1, NM_001407937.1, NM_001407938.1 and 6 more transcripts); c.4567G>A, p.Ala1523Thr (NM_001407920.1, NM_001407921.1, NM_001407922.1 and 4 more transcripts); c.4564G>A, p.Ala1522Thr (NM_001407927.1, NM_001407928.1, NM_001407929.1 and 4 more transcripts); and 71 more; short protein forms A1314T, A1315T, A1442T, A1457T, A1482T, A1483T, A1484T, A1498T.
Identifiers: ClinVar variation 4539182 (VCV004539182.1).

ClinVar aggregate classification (germline): Likely benign (1 of 4 stars; one submission).

gnomAD v4.1: 2 of 1,614,010 alleles (0.00012%); highest among the groups gnomAD compares: Non-Finnish European, 0.00017%; no homozygotes.

Submission:

Center for Genomic Medicine, Rigshospitalet, Copenhagen University Hospital
Classification: Likely benign. Last evaluated: 2025-12-29. Review status: criteria provided, single submitter. Criteria: ACMG Guidelines, 2015. Collection method: clinical testing. Allele origin: germline.
Comment: Classification criteria: BP1_strong